The following is an entry in ClinVar:

ClinVar aggregate classification (germline): Pathogenic (1 of 4 stars; one submission).

Conditions:
Hereditary cancer-predisposing syndrome. Also called: Tumor predisposition; Neoplastic Syndromes, Hereditary; Hereditary neoplastic syndrome; Hereditary Cancer Syndrome. Identifiers: Orphanet 140162, MedGen C0027672, MeSH D009386, MONDO:0015356.

Submission:

Ambry Genetics
Classification: Pathogenic for Hereditary cancer-predisposing syndrome. Last evaluated: 2025-08-01. Review status: criteria provided, single submitter. Criteria: Ambry Variant Classification Scheme 2023. Collection method: clinical testing. Allele origin: germline.
Comment: The c.869dupT pathogenic mutation, located in coding exon 5 of the MSH3 gene, results from a duplication of T at nucleotide position 869, causing a translational frameshift with a predicted alternate stop codon (p.F291Vfs*13). This variant is considered to be rare based on population cohorts in the Genome Aggregation Database (gnomAD). This alteration is expected to result in loss of function by premature protein truncation or nonsense-mediated mRNA decay. As such, this alteration is interpreted as a disease-causing mutation.

NM_002439.5(MSH3):c.869dup (p.Phe291fs)

Gene: MSH3 (mutS homolog 3; plus strand). Cytogenetic location: 5q14.1.
Variant type: Duplication.
Coding change: c.869dup on transcript NM_002439.5 (MANE Select); coding-DNA position 869, one base duplicated (T; older notation c.869dupT).
Protein change: p.Phe291fs; shifts the reading frame from phenylalanine 291.
Molecular consequence: frameshift variant.
Genome position (GRCh38, 1-based): chr5:80,672,320, T duplicated. VCF-style (leftmost placement, unchanged base first): chr5-80672319-C-CT. GRCh37 (hg19) VCF-style: chr5-79968138-C-CT.
Other names: short protein forms F291fs.
Identifiers: ClinVar variation 4111099 (VCV004111099.1).